The following is an entry in ClinVar:

NM_001360.3(DHCR7):c.570C>T (p.Ala190=)

Gene: DHCR7 (7-dehydrocholesterol reductase; minus strand). Cytogenetic location: 11q13.4.
Variant type: single nucleotide variant.
Coding change: c.570C>T on transcript NM_001360.3 (MANE Select); coding-DNA position 570, C replaced by T.
Protein change: p.Ala190=; no amino-acid change (alanine 190 retained).
Molecular consequence: synonymous variant.
Genome position (GRCh38, 1-based): chr11:71,441,283, G>A on the plus strand (C>T on the coding strand, the complement: DHCR7 is on the minus strand). VCF-style: chr11-71441283-G-A. GRCh37 (hg19) VCF-style: chr11-71152329-G-A.
Other names: p.Ala190=; c.570C>T, p.Ala190= (NM_001163817.2).
Identifiers: ClinVar variation 305957 (VCV000305957.32), dbSNP rs74909468, ClinGen allele CA6162534.

ClinVar aggregate classification (germline): Benign/Likely benign. Review status: criteria provided, multiple submitters, no conflicts (2 of 4 stars). 9 submissions from 9 submitters: Benign (5); Likely benign (3). 1 of the submissions does not count toward it. Last evaluated 2026-02-04.

Conditions:
Inborn genetic diseases. Identifiers: MedGen C0950123, MeSH D030342.
Smith-Lemli-Opitz syndrome (SLOS). Also called: LETHAL ACRODYSGENITAL SYNDROME; POLYDACTYLY, SEX REVERSAL, RENAL HYPOPLASIA, AND UNILOBAR LUNG; RSH SYNDROME; RUTLEDGE LETHAL MULTIPLE CONGENITAL ANOMALY SYNDROME; 7-Dehydrocholesterol reductase deficiency. Identifiers: Orphanet 818, MedGen C0175694, MONDO:0010035, OMIM 270400.

Allele frequency attached by ClinVar (database versions not stated): gnomAD exomes 0.00258; ExAC 0.00320; ESP Exome Variant Server 0.00970; gnomAD 0.01042 and 0.01097; 1000 Genomes Project 0.01098; 1000 Genomes Project 30x 0.01140; TOPMed 0.01194.
gnomAD v4.1: 3,063 of 1,614,208 alleles (0.19%); highest among the groups gnomAD compares: African/African-American, 3.4%; 59 homozygotes.

Submissions (9):

Labcorp Genetics (formerly Invitae), Labcorp
Classification: Benign for Smith-Lemli-Opitz syndrome. Last evaluated: 2026-02-04. Review status: criteria provided, single submitter. Criteria: Invitae Variant Classification Sherloc (09022015). Collection method: clinical testing. Allele origin: germline.

Mayo Clinic Laboratories, Mayo Clinic
Classification: Benign. Last evaluated: 2025-02-20. Review status: criteria provided, single submitter. Criteria: ACMG Guidelines, 2015. Collection method: clinical testing. Allele origin: germline. Observed: 12 variant alleles.
Comment: BS1, BS2, BP4, BP7

ARUP Laboratories, Molecular Genetics and Genomics, ARUP Laboratories
Classification: Benign for Smith-Lemli-Opitz syndrome. Last evaluated: 2018-10-29. Review status: criteria provided, single submitter. Criteria: ARUP Molecular Germline Variant Investigation Process. Collection method: clinical testing. Allele origin: germline.

Illumina Laboratory Services, Illumina
Classification: Likely benign for Smith-Lemli-Opitz syndrome. Last evaluated: 2018-01-13. Review status: criteria provided, single submitter. Criteria: ICSL Variant Classification Criteria 13 December 2019. Collection method: clinical testing. Allele origin: germline.
Comment: This variant was observed in the ICSL laboratory as part of a predisposition screen in an ostensibly healthy population. It had not been previously curated by ICSL or reported in the Human Gene Mutation Database (HGMD: prior to June 1st, 2018), and was therefore a candidate for classification through an automated scoring system. Utilizing variant allele frequency, disease prevalence and penetrance estimates, and inheritance mode, an automated score was calculated to assess if this variant is too frequent to cause the disease. Based on the score and internal cut-off values, a variant classified as likely benign is not then subjected to further curation. The score for this variant resulted in a classification of likely benign for this disease.

Women's Health and Genetics/Laboratory Corporation of America, LabCorp
Classification: Likely benign. Last evaluated: 2017-09-11. Review status: criteria provided, single submitter. Criteria: LabCorp Variant Classification Summary - May 2015. Collection method: clinical testing. Allele origin: germline.
Comment: Variant summary: The DHCR7 c.570C>T (p.Ala190Ala) variant involves the alteration of a non-conserved nucleotide, resulting in a synonymous change. One in silico tool predicts a damaging outcome for this variant. 5/5 splice prediction tools predict no significant impact on normal splicing. However, these predictions have yet to be confirmed by functional studies. The variant was found in the control population dataset of ExAC in 389/121388 control chromosomes (5 homozygotes) at a frequency of 0.0032046 and in gnomAD in 941/276256 control chromosomes (15 homozygotes) at a frequency of 0.003406, which do not exceed the estimated maximal expected allele frequency of a pathogenic DHCR7 variant (0.0043301). One clinical diagnostic laboratory classified this variant as uncertain significance and a second one classified it as benign. The variant of interest has not, to our knowledge, been reported in affected individuals via publications nor evaluated for functional impact by in vivo/vitro studies. Taken together, this variant is classified as likely benign.

Ambry Genetics
Classification: Benign for Inborn genetic diseases. Last evaluated: 2016-03-16. Review status: criteria provided, single submitter. Criteria: Ambry Variant Classification Scheme 2023. Collection method: clinical testing. Allele origin: germline.

GeneDx
Classification: Benign. Last evaluated: 2016-01-04. Review status: criteria provided, single submitter. Criteria: GeneDx Variant Classification (06012015). Collection method: clinical testing. Allele origin: germline. Affected: yes.
Comment: This variant is considered likely benign or benign based on one or more of the following criteria: it is a conservative change, it occurs at a poorly conserved position in the protein, it is predicted to be benign by multiple in silico algorithms, and/or has population frequency not consistent with disease.

Breakthrough Genomics
Classification: Likely benign. Review status: criteria provided, single submitter. Criteria: ACMG Guidelines, 2015. Collection method: not provided. Allele origin: germline. Inheritance: Autosomal recessive inheritance. Affected: yes.

Natera, Inc.
Classification: Benign for Smith-Lemli-Opitz syndrome. Last evaluated: 2017-05-05. Review status: no assertion criteria provided. Collection method: clinical testing. Allele origin: germline. Not counted in ClinVar's aggregate classification.